The following is an entry in ClinVar:

ClinVar aggregate classification (germline): Uncertain significance (1 of 4 stars; one submission).

Conditions:
Aicardi-Goutieres syndrome 7 (AGS7). Identifiers: Orphanet 51, MedGen C3888244, MONDO:0014367, OMIM 615846.
Singleton-Merten syndrome 1 (SGMRT1). Also called: Widened medullary cavities of bone, aortic calcification, abnormal dentition, and muscular weakness; Syndrome of widened medullary cavities of the metacarpals and phalanges, aortic calcification and abnormal dentition. Identifiers: Orphanet 85191, MedGen C4225427, MONDO:0024535, OMIM 182250.

Allele frequency attached by ClinVar (database versions not stated): TOPMed 0.00002.

Submission:

Labcorp Genetics (formerly Invitae), Labcorp
Classification: Uncertain significance for Aicardi-Goutieres syndrome 7; Singleton-Merten syndrome 1. Last evaluated: 2023-06-28. Review status: criteria provided, single submitter. Criteria: Invitae Variant Classification Sherloc (09022015). Collection method: clinical testing. Allele origin: germline.
Comment: In summary, the available evidence is currently insufficient to determine the role of this variant in disease. Therefore, it has been classified as a Variant of Uncertain Significance. Algorithms developed to predict the effect of sequence changes on RNA splicing suggest that this variant may create or strengthen a splice site. Advanced modeling of protein sequence and biophysical properties (such as structural, functional, and spatial information, amino acid conservation, physicochemical variation, residue mobility, and thermodynamic stability) has been performed at Invitae for this missense variant, however the output from this modeling did not meet the statistical confidence thresholds required to predict the impact of this variant on IFIH1 protein function. This variant has not been reported in the literature in individuals affected with IFIH1-related conditions. This variant is not present in population databases (gnomAD no frequency). This sequence change replaces aspartic acid, which is acidic and polar, with glycine, which is neutral and non-polar, at codon 543 of the IFIH1 protein (p.Asp543Gly).

NM_022168.4(IFIH1):c.1628A>G (p.Asp543Gly)

Gene: IFIH1 (interferon induced with helicase C domain 1; minus strand). Cytogenetic location: 2q24.2.
Variant type: single nucleotide variant.
Coding change: c.1628A>G on transcript NM_022168.4 (MANE Select); coding-DNA position 1628, A replaced by G.
Protein change: p.Asp543Gly; replaces aspartic acid 543 with glycine.
Molecular consequence: missense variant.
Genome position (GRCh38, 1-based): chr2:162,280,009, T>C on the plus strand (A>G on the coding strand, the complement: IFIH1 is on the minus strand). VCF-style: chr2-162280009-T-C. GRCh37 (hg19) VCF-style: chr2-163136519-T-C.
Other names: short protein forms D543G.
Identifiers: ClinVar variation 2940668 (VCV002940668.3), dbSNP rs1357611546, ClinGen allele CA349000971.